The following is an entry in ClinVar:

NM_133433.4(NIPBL):c.8243G>A (p.Trp2748Ter)

Gene: NIPBL (NIPBL cohesin loading factor; plus strand). Cytogenetic location: 5p13.2.
Variant type: single nucleotide variant.
Coding change: c.8243G>A on transcript NM_133433.4 (MANE Select); coding-DNA position 8243, G replaced by A.
Protein change: p.Trp2748Ter; replaces tryptophan 2748 with a stop codon.
Molecular consequence: nonsense. On other transcripts: 3 prime UTR variant (1).
Genome position (GRCh38, 1-based): chr5:37,064,720, G>A. VCF-style: chr5-37064720-G-A. GRCh37 (hg19) VCF-style: chr5-37064822-G-A.
Other names: c.*697G>A (NM_015384.5); short protein forms W2748*.
Identifiers: ClinVar variation 2673012 (VCV002673012.23), dbSNP rs2478770513, ClinGen allele CA359522698.

ClinVar aggregate classification (germline): Likely pathogenic (1 of 4 stars; one submission).

Submission:

CeGaT Center for Human Genetics Tuebingen
Classification: Likely pathogenic. Last evaluated: 2023-11-01. Review status: criteria provided, single submitter. Criteria: CeGaT Center For Human Genetics Tuebingen Variant Classification Criteria Version 2. Collection method: clinical testing. Allele origin: germline. Affected: yes. Observed: 1 variant allele.
Comment: NIPBL: PVS1:Strong, PM2